The following is an entry in ClinVar:

NM_000051.4(ATM):c.2559A>G (p.Ser853=)

Gene: ATM (ATM serine/threonine kinase; plus strand). Cytogenetic location: 11q22.3.
Variant type: single nucleotide variant.
Coding change: c.2559A>G on transcript NM_000051.4 (MANE Select); coding-DNA position 2559, A replaced by G.
Protein change: p.Ser853=; no amino-acid change (serine 853 retained).
Molecular consequence: synonymous variant.
Genome position (GRCh38, 1-based): chr11:108,267,263, A>G. VCF-style: chr11-108267263-A-G. GRCh37 (hg19) VCF-style: chr11-108137990-A-G.
Other names: c.2559A>G, p.Ser853= (NM_001351834.2).
Identifiers: ClinVar variation 1532198 (VCV001532198.11), dbSNP rs2081307609, ClinGen allele CA476673622.

ClinVar aggregate classification (germline): Benign/Likely benign. Review status: criteria provided, multiple submitters, no conflicts (2 of 4 stars). 3 submissions from 3 submitters: Benign (1); Likely benign (2). Last evaluated 2024-05-09.

Conditions:
Ataxia-telangiectasia syndrome (AT). Also called: Ataxia-telangiectasia, complementation group E; Cerebello-oculocutaneous telangiectasia; Immunodeficiency with ataxia telangiectasia; ATAXIA-TELANGIECTASIA, COMPLEMENTATION GROUP A; ATAXIA-TELANGIECTASIA, FRESNO VARIANT; Ataxia-telangiectasia, complementation group D. Identifiers: Orphanet 100, MedGen C0004135, MONDO:0008840, OMIM 208900.
Hereditary cancer-predisposing syndrome. Also called: Tumor predisposition; Hereditary neoplastic syndrome; Neoplastic Syndromes, Hereditary; Hereditary Cancer Syndrome. Identifiers: Orphanet 140162, MedGen C0027672, MeSH D009386, MONDO:0015356.
Familial cancer of breast. Also called: Hereditary breast cancer; BREAST CANCER, FAMILIAL; hereditary breast carcinoma. Identifiers: Orphanet 227535, MedGen C0346153, MONDO:0016419, OMIM 114480. Disease mechanism: loss of function.

Submissions (3):

Myriad Genetics, Inc.
Classification: Benign for Familial cancer of breast. Last evaluated: 2024-05-09. Review status: criteria provided, single submitter. Criteria: Myriad Autosomal Dominant, Autosomal Recessive and X-Linked Classification Criteria (2023). Collection method: clinical testing. Allele origin: unknown.
Comment: This variant is considered benign. This variant is a silent/synonymous amino acid change and it is not expected to impact splicing.

Labcorp Genetics (formerly Invitae), Labcorp
Classification: Likely benign for Ataxia-telangiectasia syndrome. Last evaluated: 2023-08-03. Review status: criteria provided, single submitter. Criteria: Invitae Variant Classification Sherloc (09022015). Collection method: clinical testing. Allele origin: germline.

Ambry Genetics
Classification: Likely benign for Hereditary cancer-predisposing syndrome. Last evaluated: 2021-05-28. Review status: criteria provided, single submitter. Criteria: Ambry Variant Classification Scheme 2023. Collection method: clinical testing. Allele origin: germline.